The following is an entry in ClinVar:

ClinVar aggregate classification (germline): Uncertain significance (1 of 4 stars; one submission).

Conditions:
Dyskeratosis congenita. Identifiers: Orphanet 1775, MedGen C0265965, MONDO:0015780.

Submission:

Ambry Genetics
Classification: Uncertain significance for Dyskeratosis congenita. Last evaluated: 2025-05-10. Review status: criteria provided, single submitter. Criteria: Ambry Variant Classification Scheme 2023. Collection method: clinical testing. Allele origin: germline.
Comment: The p.L448Q variant (also known as c.1343T>A), located in coding exon 2 of the TERT gene, results from a T to A substitution at nucleotide position 1343. The leucine at codon 448 is replaced by glutamine, an amino acid with dissimilar properties. This amino acid position is conserved. In addition, the in silico prediction for this alteration is inconclusive. Based on the available evidence, the clinical significance of this variant remains unclear.

NM_198253.3(TERT):c.1343T>A (p.Leu448Gln)

Gene: TERT (telomerase reverse transcriptase; minus strand). Cytogenetic location: 5p15.33.
Variant type: single nucleotide variant.
Coding change: c.1343T>A on transcript NM_198253.3 (MANE Select); coding-DNA position 1343, T replaced by A.
Protein change: p.Leu448Gln; replaces leucine 448 with glutamine.
Molecular consequence: missense variant. On other transcripts: non-coding transcript variant (2).
Genome position (GRCh38, 1-based): chr5:1,293,543, A>T on the plus strand (T>A on the coding strand, the complement: TERT is on the minus strand). VCF-style: chr5-1293543-A-T. GRCh37 (hg19) VCF-style: chr5-1293658-A-T.
Other names: c.1343T>A, p.Leu448Gln (NM_001193376.3); short protein forms L448Q.
Identifiers: ClinVar variation 3967363 (VCV003967363.1).
Genomic context (GRCh38, chr5:1,293,543, plus strand): 5'-CAGGCCCGCACGAAGCCGTACACCTGCCAGGGGCTGCTGTGCTGGCGGAGCAGCTGCACC[A>T]GGCGACGGGGGTCTGTGTCCTCCTCCTCGGGGGCCGCCACAGAGCCCTGGGGCTTCTCCC-3'
Protein context (NP_937983.2, residues 438-458): PEEEDTDPRR[Leu448Gln]VQLLRQHSSP